The following is an entry in ClinVar:

NM_003331.5(TYK2):c.2715+9C>T

Gene: TYK2 (tyrosine kinase 2; minus strand). Cytogenetic location: 19p13.2.
Variant type: single nucleotide variant.
Coding change: c.2715+9C>T on transcript NM_003331.5 (MANE Select); 9 bases into the intron after coding-DNA position 2715, C replaced by T.
Molecular consequence: intron variant.
Genome position (GRCh38, 1-based): chr19:10,354,503, G>A on the plus strand (C>T on the coding strand, the complement: TYK2 is on the minus strand). VCF-style: chr19-10354503-G-A. GRCh37 (hg19) VCF-style: chr19-10465179-G-A.
Other names: c.2715+9C>T (LRG_121t1).
Identifiers: ClinVar variation 327937 (VCV000327937.11), dbSNP rs886054132, ClinGen allele CA10651390.

ClinVar aggregate classification (germline): Conflicting classifications of pathogenicity. Review status: criteria provided, conflicting classifications (1 of 4 stars). 3 submissions from 3 submitters: Uncertain significance (1); Likely benign (1). 1 of the submissions does not count toward it. Last evaluated 2024-10-25.

Conditions:
TYK2-related disorder. Also called: TYK2-related condition.
Immunodeficiency 35 (IMD35). Also called: HIES WITH ATYPICAL MYCOBACTERIOSIS, AUTOSOMAL RECESSIVE; HYPER-IgE SYNDROME WITH ATYPICAL MYCOBACTERIOSIS, AUTOSOMAL RECESSIVE; TYK2 DEFICIENCY; Susceptibility to infection due to TYK2 deficiency. Identifiers: Orphanet 331226, MedGen C1969086, MONDO:0012682, OMIM 611521.

gnomAD v4.1: 1 of 1,613,502 alleles (0.000062%); highest among the groups gnomAD compares: Non-Finnish European, 0.000085%; no homozygotes.

Submissions (3):

Labcorp Genetics (formerly Invitae), Labcorp
Classification: Likely benign for Immunodeficiency 35. Last evaluated: 2024-10-25. Review status: criteria provided, single submitter. Criteria: Invitae Variant Classification Sherloc (09022015). Collection method: clinical testing. Allele origin: germline.

Illumina Laboratory Services, Illumina
Classification: Uncertain significance for Immunodeficiency 35. Last evaluated: 2018-01-13. Review status: criteria provided, single submitter. Criteria: ICSL Variant Classification Criteria 13 December 2019. Collection method: clinical testing. Allele origin: germline.

PreventionGenetics, part of Exact Sciences
Classification: Likely benign for TYK2-related condition. Last evaluated: 2023-09-27. Review status: no assertion criteria provided. Collection method: clinical testing. Allele origin: germline. Not counted in ClinVar's aggregate classification.
Comment: This variant is classified as likely benign based on ACMG/AMP sequence variant interpretation guidelines (Richards et al. 2015 PMID: 25741868, with internal and published modifications).